The following is an entry in ClinVar:

NM_000368.5(TSC1):c.2290C>T (p.Leu764Phe)

Gene: TSC1 (TSC complex subunit 1; minus strand). Cytogenetic location: 9q34.13.
Variant type: single nucleotide variant.
Coding change: c.2290C>T on transcript NM_000368.5 (MANE Select); coding-DNA position 2290, C replaced by T.
Protein change: p.Leu764Phe; replaces leucine 764 with phenylalanine.
Molecular consequence: missense variant. On other transcripts: non-coding transcript variant (5).
Genome position (GRCh38, 1-based): chr9:132,902,706, G>A on the plus strand (C>T on the coding strand, the complement: TSC1 is on the minus strand). VCF-style: chr9-132902706-G-A. GRCh37 (hg19) VCF-style: chr9-135778093-G-A.
Other names: c.2287C>T, p.Leu763Phe (NM_001162426.2, NM_001406597.1, NM_001406598.1 and 4 more transcripts); c.2137C>T, p.Leu713Phe (NM_001162427.2, NM_001406610.1); c.1927C>T, p.Leu643Phe (NM_001362177.2, NM_001406624.1, NM_001406614.1 and 5 more transcripts); c.2290C>T, p.Leu764Phe (NM_001406592.1, NM_001406593.1, NM_001406594.1 and 5 more transcripts); c.2275C>T, p.Leu759Phe (NM_001406601.1, NM_001406602.1); c.2272C>T, p.Leu758Phe (NM_001406603.1, NM_001406604.1); c.2134C>T, p.Leu712Phe (NM_001406611.1, NM_001406612.1, NM_001406613.1); c.1924C>T, p.Leu642Phe (NM_001406622.1, NM_001406623.1, NM_001406625.1 and 2 more transcripts); and 3 more; short protein forms L447F, L713F, L758F, L763F, L764F, L413F, L643F, L759F.
Identifiers: ClinVar variation 2737536 (VCV002737536.3), dbSNP rs1845450319, ClinGen allele CA375359722.

ClinVar aggregate classification (germline): Uncertain significance. Review status: criteria provided, multiple submitters, no conflicts (2 of 4 stars). 2 submissions from 2 submitters: Uncertain significance (2). Last evaluated 2024-09-23.

Conditions:
Hereditary cancer-predisposing syndrome. Also called: Hereditary neoplastic syndrome; Hereditary Cancer Syndrome; Neoplastic Syndromes, Hereditary; Tumor predisposition. Identifiers: Orphanet 140162, MedGen C0027672, MeSH D009386, MONDO:0015356.
Tuberous sclerosis 1 (TSC1). Identifiers: Orphanet 805, MedGen C1854465, MONDO:0008612, OMIM 191100.

Allele frequency attached by ClinVar (database versions not stated): gnomAD exomes below 0.00001; TOPMed 0.00001.

Submissions (2):

Ambry Genetics
Classification: Uncertain significance for Hereditary cancer-predisposing syndrome. Last evaluated: 2024-09-23. Review status: criteria provided, single submitter. Criteria: Ambry Variant Classification Scheme 2023. Collection method: clinical testing. Allele origin: germline.
Comment: The p.L764F variant (also known as c.2290C>T), located in coding exon 16 of the TSC1 gene, results from a C to T substitution at nucleotide position 2290. The leucine at codon 764 is replaced by phenylalanine, an amino acid with highly similar properties. This amino acid position is conserved. In addition, this alteration is predicted to be tolerated by in silico analysis. Based on the available evidence, the clinical significance of this variant remains unclear.

Labcorp Genetics (formerly Invitae), Labcorp
Classification: Uncertain significance for Tuberous sclerosis 1. Last evaluated: 2023-08-27. Review status: criteria provided, single submitter. Criteria: Invitae Variant Classification Sherloc (09022015). Collection method: clinical testing. Allele origin: germline.
Comment: Advanced modeling of protein sequence and biophysical properties (such as structural, functional, and spatial information, amino acid conservation, physicochemical variation, residue mobility, and thermodynamic stability) performed at Invitae indicates that this missense variant is not expected to disrupt TSC1 protein function. This variant has not been reported in the literature in individuals affected with TSC1-related conditions. This variant is not present in population databases (gnomAD no frequency). This sequence change replaces leucine, which is neutral and non-polar, with phenylalanine, which is neutral and non-polar, at codon 764 of the TSC1 protein (p.Leu764Phe). In summary, the available evidence is currently insufficient to determine the role of this variant in disease. Therefore, it has been classified as a Variant of Uncertain Significance.